The following is an entry in ClinVar:

ClinVar aggregate classification (germline): Uncertain significance (1 of 4 stars; one submission).

Allele frequency attached by ClinVar (database versions not stated): TOPMed below 0.00001.
gnomAD v4.1: 1 of 1,614,126 alleles (0.000062%); highest among the groups gnomAD compares: Non-Finnish European, 0.000085%; no homozygotes.

Submission:

Labcorp Genetics (formerly Invitae), Labcorp
Classification: Uncertain significance. Last evaluated: 2021-12-02. Review status: criteria provided, single submitter. Criteria: Invitae Variant Classification Sherloc (09022015). Collection method: clinical testing. Allele origin: germline.
Comment: Advanced modeling of protein sequence and biophysical properties (such as structural, functional, and spatial information, amino acid conservation, physicochemical variation, residue mobility, and thermodynamic stability) performed at Invitae indicates that this missense variant is expected to disrupt ABCA1 protein function. In summary, the available evidence is currently insufficient to determine the role of this variant in disease. Therefore, it has been classified as a Variant of Uncertain Significance. This variant has not been reported in the literature in individuals affected with ABCA1-related conditions. This variant is not present in population databases (gnomAD no frequency). This sequence change replaces glycine, which is neutral and non-polar, with valine, which is neutral and non-polar, at codon 1538 of the ABCA1 protein (p.Gly1538Val).

NM_005502.4(ABCA1):c.4613G>T (p.Gly1538Val)

Gene: ABCA1 (ATP binding cassette subfamily A member 1; minus strand). Cytogenetic location: 9q31.1.
Variant type: single nucleotide variant.
Coding change: c.4613G>T on transcript NM_005502.4 (MANE Select); coding-DNA position 4613, G replaced by T.
Protein change: p.Gly1538Val; replaces glycine 1538 with valine.
Molecular consequence: missense variant.
Genome position (GRCh38, 1-based): chr9:104,802,139, C>A on the plus strand (G>T on the coding strand, the complement: ABCA1 is on the minus strand). VCF-style: chr9-104802139-C-A. GRCh37 (hg19) VCF-style: chr9-107564420-C-A.
Other names: short protein forms G1538V.
Identifiers: ClinVar variation 1509922 (VCV001509922.6), dbSNP rs1830392118, ClinGen allele CA374315067.